The following is an entry in ClinVar:

ClinVar aggregate classification (germline): Benign/Likely benign. Review status: criteria provided, multiple submitters, no conflicts (2 of 4 stars). 4 submissions from 4 submitters: Benign (2); Likely benign (1). 1 of the submissions does not count toward it. Last evaluated 2025-12-16.

Conditions:
Luscan-Lumish syndrome. Identifiers: Orphanet 597738, MedGen C4085873, MONDO:0014791, OMIM 616831.
SETD2-related disorder.

Allele frequency attached by ClinVar (database versions not stated): gnomAD 0.00027 and 0.00053; TOPMed 0.00053; gnomAD exomes 0.00073 and 0.00095; ExAC 0.00075; 1000 Genomes Project 30x 0.00406; 1000 Genomes Project 0.00439.
gnomAD v4.1: 1,086 of 1,551,882 alleles (0.07%); highest among the groups gnomAD compares: East Asian, 2.4%; 21 homozygotes.

Submissions (4):

Labcorp Genetics (formerly Invitae), Labcorp
Classification: Benign for Luscan-Lumish syndrome. Last evaluated: 2025-12-16. Review status: criteria provided, single submitter. Criteria: Invitae Variant Classification Sherloc (09022015). Collection method: clinical testing. Allele origin: germline.

Blueprint Genetics
Classification: Likely benign. Last evaluated: 2024-10-15. Review status: criteria provided, single submitter. Criteria: ACMG Guidelines, 2015. Collection method: clinical testing. Allele origin: germline.

CeGaT Center for Human Genetics Tuebingen
Classification: Benign. Last evaluated: 2024-06-01. Review status: criteria provided, single submitter. Criteria: CeGaT Center For Human Genetics Tuebingen Variant Classification Criteria Version 2. Collection method: clinical testing. Allele origin: germline. Affected: yes. Observed: 1 variant allele.
Comment: SETD2: BP4, BS1, BS2

PreventionGenetics, part of Exact Sciences
Classification: Benign for SETD2-related condition. Last evaluated: 2020-09-23. Review status: no assertion criteria provided. Collection method: clinical testing. Allele origin: germline. Not counted in ClinVar's aggregate classification.
Comment: This variant is classified as benign based on ACMG/AMP sequence variant interpretation guidelines (Richards et al. 2015 PMID: 25741868, with internal and published modifications).

NM_014159.7(SETD2):c.578C>T (p.Pro193Leu)

Gene: SETD2 (SET domain containing 2, histone lysine methyltransferase; minus strand). Cytogenetic location: 3p21.31.
Variant type: single nucleotide variant.
Coding change: c.578C>T on transcript NM_014159.7 (MANE Select); coding-DNA position 578, C replaced by T.
Protein change: p.Pro193Leu; replaces proline 193 with leucine.
Molecular consequence: missense variant. On other transcripts: non-coding transcript variant (1).
Genome position (GRCh38, 1-based): chr3:47,124,058, G>A on the plus strand (C>T on the coding strand, the complement: SETD2 is on the minus strand). VCF-style: chr3-47124058-G-A. GRCh37 (hg19) VCF-style: chr3-47165548-G-A.
Other names: c.446C>T, p.Pro149Leu (NM_001349370.3); short protein forms P193L, P149L.
Identifiers: ClinVar variation 475527 (VCV000475527.31), dbSNP rs77310684, ClinGen allele CA2363742.